The following is an entry in ClinVar:

ClinVar aggregate classification (germline): Benign/Likely benign. Review status: criteria provided, multiple submitters, no conflicts (2 of 4 stars). 10 submissions from 10 submitters: Benign (3); Likely benign (4). 3 of the submissions do not count toward it. Last evaluated 2026-02-01.

Conditions:
ITGB2-related disorder. Also called: ITGB2-related condition.
Leukocyte adhesion deficiency 1 (LAD1). Also called: LEUKOCYTE ADHESION DEFICIENCY, TYPE I; LAD 1; Lymphocyte function-associated antigen 1 immunodeficiency; LFA 1 immunodeficiency. Identifiers: Orphanet 2968, Orphanet 99842, MedGen C0398738, MONDO:0007293, OMIM 116920.

Allele frequency attached by ClinVar (database versions not stated): 1000 Genomes Project 30x 0.00234; 1000 Genomes Project 0.00240; TOPMed 0.00390; gnomAD 0.00803 and 0.00847; ExAC 0.00824; gnomAD exomes 0.00859.
gnomAD v4.1: 13,632 of 1,612,570 alleles (0.85%); highest among the groups gnomAD compares: Non-Finnish European, 0.82%; 128 homozygotes.

Submissions (10):

Labcorp Genetics (formerly Invitae), Labcorp
Classification: Benign for Leukocyte adhesion deficiency 1. Last evaluated: 2026-02-01. Review status: criteria provided, single submitter. Criteria: Invitae Variant Classification Sherloc (09022015). Collection method: clinical testing. Allele origin: germline.

CeGaT Center for Human Genetics Tuebingen
Classification: Likely benign. Last evaluated: 2024-12-01. Review status: criteria provided, single submitter. Criteria: CeGaT Center For Human Genetics Tuebingen Variant Classification Criteria Version 2. Collection method: clinical testing. Allele origin: germline. Affected: yes. Observed: 2 variant alleles.
Comment: ITGB2: BS2

GeneDx
Classification: Benign. Last evaluated: 2021-05-05. Review status: criteria provided, single submitter. Criteria: GeneDx Variant Classification Process June 2021. Collection method: clinical testing. Allele origin: germline. Affected: yes.
Comment: This variant is associated with the following publications: (PMID: 22134107, 22995991, 20981092, 1346613, 28600779)

Mayo Clinic Laboratories, Mayo Clinic
Classification: Benign. Last evaluated: 2020-06-10. Review status: criteria provided, single submitter. Criteria: ACMG Guidelines, 2015. Collection method: clinical testing. Allele origin: germline. Observed: 8 variant alleles.

Mendelics
Classification: Likely benign for Leukocyte adhesion deficiency 1. Last evaluated: 2019-05-28. Review status: criteria provided, single submitter. Criteria: Mendelics Assertion Criteria 2017. Collection method: clinical testing. Allele origin: unknown.

Illumina Laboratory Services, Illumina
Classification: Likely benign for Leukocyte adhesion deficiency 1. Last evaluated: 2018-03-06. Review status: criteria provided, single submitter. Criteria: ICSL Variant Classification Criteria 13 December 2019. Collection method: clinical testing. Allele origin: germline.
Comment: This variant was observed in the ICSL laboratory as part of a predisposition screen in an ostensibly healthy population. It had not been previously curated by ICSL or reported in the Human Gene Mutation Database (HGMD: prior to June 1st, 2018), and was therefore a candidate for classification through an automated scoring system. Utilizing variant allele frequency, disease prevalence and penetrance estimates, and inheritance mode, an automated score was calculated to assess if this variant is too frequent to cause the disease. Based on the score and internal cut-off values, a variant classified as likely benign is not then subjected to further curation. The score for this variant resulted in a classification of likely benign for this disease.

Breakthrough Genomics
Classification: Likely benign. Review status: criteria provided, single submitter. Criteria: ACMG Guidelines, 2015. Collection method: not provided. Allele origin: germline. Inheritance: Autosomal recessive inheritance. Affected: yes.

PreventionGenetics, part of Exact Sciences
Classification: Likely benign for ITGB2-related condition. Last evaluated: 2020-03-13. Review status: no assertion criteria provided. Collection method: clinical testing. Allele origin: germline. Not counted in ClinVar's aggregate classification.
Comment: This variant is classified as likely benign based on ACMG/AMP sequence variant interpretation guidelines (Richards et al. 2015 PMID: 25741868, with internal and published modifications).

Diagnostic Laboratory, Department of Genetics, University Medical Center Groningen
Classification: Benign. Review status: no assertion criteria provided. Collection method: clinical testing. Allele origin: germline. Affected: yes. Study: VKGL Data-share Consensus. Not counted in ClinVar's aggregate classification.

Genome Diagnostics Laboratory, University Medical Center Utrecht
Classification: Likely benign. Review status: no assertion criteria provided. Collection method: clinical testing. Allele origin: germline. Affected: yes. Study: VKGL Data-share Consensus. Not counted in ClinVar's aggregate classification.

NM_000211.5(ITGB2):c.1756C>T (p.Arg586Trp)

Gene: ITGB2 (integrin subunit beta 2; minus strand). Cytogenetic location: 21q22.3.
Variant type: single nucleotide variant.
Coding change: c.1756C>T on transcript NM_000211.5 (MANE Select); coding-DNA position 1756, C replaced by T.
Protein change: p.Arg586Trp; replaces arginine 586 with tryptophan.
Molecular consequence: missense variant.
Genome position (GRCh38, 1-based): chr21:44,889,397, G>A on the plus strand (C>T on the coding strand, the complement: ITGB2 is on the minus strand). VCF-style: chr21-44889397-G-A. GRCh37 (hg19) VCF-style: chr21-46309312-G-A.
Other names: p.Arg586Trp; c.1756C>T, p.Arg586Trp (NM_001127491.3); c.1549C>T, p.Arg517Trp (NM_001303238.2); short protein forms R586W, R517W.
Identifiers: ClinVar variation 9463 (VCV000009463.47), dbSNP rs5030672, ClinGen allele CA120456.